The following is an entry in ClinVar:

ClinVar aggregate classification (germline): Uncertain significance. Review status: criteria provided, multiple submitters, no conflicts (2 of 4 stars). 2 submissions from 2 submitters: Uncertain significance (2). Last evaluated 2024-08-13.

Conditions:
Inborn genetic diseases. Identifiers: MedGen C0950123, MeSH D030342.
Nephronophthisis 16 (NPHP16). Identifiers: Orphanet 655, MedGen C3809320, MONDO:0014158, OMIM 615382.

gnomAD v4.1: 1 of 1,597,408 alleles (0.000063%); highest among the groups gnomAD compares: East Asian, 0.0023%; no homozygotes.

Submissions (2):

Labcorp Genetics (formerly Invitae), Labcorp
Classification: Uncertain significance for Nephronophthisis 16. Last evaluated: 2024-08-13. Review status: criteria provided, single submitter. Criteria: Invitae Variant Classification Sherloc (09022015). Collection method: clinical testing. Allele origin: germline.
Comment: This sequence change replaces alanine, which is neutral and non-polar, with glutamic acid, which is acidic and polar, at codon 589 of the ANKS6 protein (p.Ala589Glu). This variant is present in population databases (rs368165175, gnomAD 0.02%). This variant has not been reported in the literature in individuals affected with ANKS6-related conditions. ClinVar contains an entry for this variant (Variation ID: 1997981). An algorithm developed to predict the effect of missense changes on protein structure and function (PolyPhen-2) suggests that this variant is likely to be tolerated. In summary, the available evidence is currently insufficient to determine the role of this variant in disease. Therefore, it has been classified as a Variant of Uncertain Significance.

Ambry Genetics
Classification: Uncertain significance for Inborn genetic diseases. Last evaluated: 2023-02-27. Review status: criteria provided, single submitter. Criteria: Ambry Variant Classification Scheme 2023. Collection method: clinical testing. Allele origin: germline.

NM_173551.5(ANKS6):c.1766C>A (p.Ala589Glu)

Gene: ANKS6 (ankyrin repeat and sterile alpha motif domain containing 6; minus strand). Cytogenetic location: 9q22.33.
Variant type: single nucleotide variant.
Coding change: c.1766C>A on transcript NM_173551.5 (MANE Select); coding-DNA position 1766, C replaced by A.
Protein change: p.Ala589Glu; replaces alanine 589 with glutamic acid.
Molecular consequence: missense variant.
Genome position (GRCh38, 1-based): chr9:98,773,932, G>T on the plus strand (C>A on the coding strand, the complement: ANKS6 is on the minus strand). VCF-style: chr9-98773932-G-T. GRCh37 (hg19) VCF-style: chr9-101536214-G-T.
Other names: c.1766C>A (NM_173551.3); short protein forms A589E.
Identifiers: ClinVar variation 1997981 (VCV001997981.6), dbSNP rs368165175, ClinGen allele CA5153372.